The following is an entry in ClinVar:

ClinVar aggregate classification (germline): Uncertain significance (1 of 4 stars; one submission).

Conditions:
Carney complex, type 1 (CNC1). Also called: CARNEY COMPLEX, TYPE I; CARNEY MYXOMA-ENDOCRINE COMPLEX. Identifiers: Orphanet 1359, MedGen C2607929, MONDO:0008057, OMIM 160980.

Submission:

Labcorp Genetics (formerly Invitae), Labcorp
Classification: Uncertain significance for Carney complex, type 1. Last evaluated: 2024-07-30. Review status: criteria provided, single submitter. Criteria: Invitae Variant Classification Sherloc (09022015). Collection method: clinical testing. Allele origin: germline.
Comment: This sequence change replaces phenylalanine, which is neutral and non-polar, with cysteine, which is neutral and slightly polar, at codon 138 of the PRKAR1A protein (p.Phe138Cys). This variant is not present in population databases (gnomAD no frequency). This variant has not been reported in the literature in individuals affected with PRKAR1A-related conditions. Advanced modeling of protein sequence and biophysical properties (such as structural, functional, and spatial information, amino acid conservation, physicochemical variation, residue mobility, and thermodynamic stability) performed at Invitae indicates that this missense variant is expected to disrupt PRKAR1A protein function with a positive predictive value of 80%. In summary, the available evidence is currently insufficient to determine the role of this variant in disease. Therefore, it has been classified as a Variant of Uncertain Significance.

NM_002734.5(PRKAR1A):c.413T>G (p.Phe138Cys)

Gene: PRKAR1A (protein kinase cAMP-dependent type I regulatory subunit alpha; plus strand). Cytogenetic location: 17q24.2.
Variant type: single nucleotide variant.
Coding change: c.413T>G on transcript NM_002734.5 (MANE Select); coding-DNA position 413, T replaced by G.
Protein change: p.Phe138Cys; replaces phenylalanine 138 with cysteine.
Molecular consequence: missense variant.
Genome position (GRCh38, 1-based): chr17:68,523,789, T>G. VCF-style: chr17-68523789-T-G. GRCh37 (hg19) VCF-style: chr17-66519930-T-G.
Other names: c.413T>G, p.Phe138Cys (NM_001276289.2, NM_001276290.1, NM_001278433.2 and 4 more transcripts); short protein forms F138C.
Identifiers: ClinVar variation 3660934 (VCV003660934.2).